The following is an entry in ClinVar:

ClinVar aggregate classification (germline): Uncertain significance (1 of 4 stars; one submission).

Conditions:
Autosomal recessive limb-girdle muscular dystrophy type 2O. Also called: Limb-Girdle Muscular Dystrophy Type 3C; MUSCULAR DYSTROPHY-DYSTROGLYCANOPATHY (LIMB-GIRDLE), TYPE C, 3; MUSCULAR DYSTROPHY-DYSTROGLYCANOPATHY, LIMB-GIRDLE, POMGNT1-RELATED. Identifiers: Orphanet 206564, MedGen C3150417, MONDO:0013161, OMIM 613157.
Muscular dystrophy-dystroglycanopathy (congenital with impaired intellectual development), type B, 3. Also called: MUSCULAR DYSTROPHY, CONGENITAL, POMGNT1-RELATED; Muscular dystrophy-dystroglycanopathy (congenital with intellectual disability), type B3. Identifiers: MedGen C3150412, MONDO:0013155, OMIM 613151.

Allele frequency attached by ClinVar (database versions not stated): gnomAD exomes below 0.00001.

Submission:

Labcorp Genetics (formerly Invitae), Labcorp
Classification: Uncertain significance for Autosomal recessive limb-girdle muscular dystrophy type 2O; Muscular dystrophy-dystroglycanopathy (congenital with impaired intellectual development), type B, 3. Last evaluated: 2022-09-06. Review status: criteria provided, single submitter. Criteria: Invitae Variant Classification Sherloc (09022015). Collection method: clinical testing. Allele origin: germline.
Comment: This sequence change replaces alanine, which is neutral and non-polar, with threonine, which is neutral and polar, at codon 203 of the POMGNT1 protein (p.Ala203Thr). This variant is not present in population databases (gnomAD no frequency). This variant has not been reported in the literature in individuals affected with POMGNT1-related conditions. ClinVar contains an entry for this variant (Variation ID: 1425099). Advanced modeling of protein sequence and biophysical properties (such as structural, functional, and spatial information, amino acid conservation, physicochemical variation, residue mobility, and thermodynamic stability) performed at Invitae indicates that this missense variant is not expected to disrupt POMGNT1 protein function. In summary, the available evidence is currently insufficient to determine the role of this variant in disease. Therefore, it has been classified as a Variant of Uncertain Significance.

NM_017739.4(POMGNT1):c.607G>A (p.Ala203Thr)

Genes: POMGNT1 (protein O-linked mannose N-acetylglucosaminyltransferase 1 (beta 1,2-); minus strand), TSPAN1 (tetraspanin 1; plus strand). Cytogenetic location: 1p34.1.
Variant type: single nucleotide variant.
Coding change: c.607G>A on transcript NM_017739.4 (MANE Select); coding-DNA position 607, G replaced by A.
Protein change: p.Ala203Thr; replaces alanine 203 with threonine.
Molecular consequence: missense variant.
Genome position (GRCh38, 1-based): chr1:46,194,889, C>T on the plus strand (G>A on the coding strand, the complement: POMGNT1 is on the minus strand). VCF-style: chr1-46194889-C-T. GRCh37 (hg19) VCF-style: chr1-46660561-C-T.
Other names: c.607G>A, p.Ala203Thr (NM_001243766.2, NM_001410783.1); c.541G>A, p.Ala181Thr (NM_001290129.3); c.178G>A, p.Ala60Thr (NM_001290130.2); short protein forms A181T, A60T, A203T.
Identifiers: ClinVar variation 1425099 (VCV001425099.5), dbSNP rs982953590, ClinGen allele CA21916971.